The following is an entry in ClinVar:

ClinVar aggregate classification (germline): Uncertain significance. Review status: criteria provided, multiple submitters, no conflicts (2 of 4 stars). 2 submissions from 2 submitters: Uncertain significance (2). Last evaluated 2024-11-09.

Conditions:
Inborn genetic diseases. Identifiers: MedGen C0950123, MeSH D030342.

Allele frequency attached by ClinVar (database versions not stated): ExAC 0.00001; TOPMed 0.00002; gnomAD 0.00003.
gnomAD v4.1: 30 of 1,614,044 alleles (0.0019%); highest among the groups gnomAD compares: Non-Finnish European, 0.0022%; no homozygotes.

Submissions (2):

Ambry Genetics
Classification: Uncertain significance for Inborn genetic diseases. Last evaluated: 2024-11-09. Review status: criteria provided, single submitter. Criteria: Ambry Variant Classification Scheme 2023. Collection method: clinical testing. Allele origin: germline.

Labcorp Genetics (formerly Invitae), Labcorp
Classification: Uncertain significance. Last evaluated: 2023-11-27. Review status: criteria provided, single submitter. Criteria: Invitae Variant Classification Sherloc (09022015). Collection method: clinical testing. Allele origin: germline.
Comment: This sequence change replaces isoleucine, which is neutral and non-polar, with threonine, which is neutral and polar, at codon 220 of the LIFR protein (p.Ile220Thr). This variant is present in population databases (rs757731669, gnomAD 0.002%). This variant has not been reported in the literature in individuals affected with LIFR-related conditions. ClinVar contains an entry for this variant (Variation ID: 2150966). An algorithm developed to predict the effect of missense changes on protein structure and function (PolyPhen-2) suggests that this variant is likely to be disruptive. In summary, the available evidence is currently insufficient to determine the role of this variant in disease. Therefore, it has been classified as a Variant of Uncertain Significance.

NM_001127671.2(LIFR):c.659T>C (p.Ile220Thr)

Gene: LIFR (LIF receptor subunit alpha; minus strand). Cytogenetic location: 5p13.1.
Variant type: single nucleotide variant.
Coding change: c.659T>C on transcript NM_001127671.2 (MANE Select); coding-DNA position 659, T replaced by C.
Protein change: p.Ile220Thr; replaces isoleucine 220 with threonine.
Molecular consequence: missense variant.
Genome position (GRCh38, 1-based): chr5:38,511,867, A>G on the plus strand (T>C on the coding strand, the complement: LIFR is on the minus strand). VCF-style: chr5-38511867-A-G. GRCh37 (hg19) VCF-style: chr5-38511969-A-G.
Other names: c.659T>C, p.Ile220Thr (NM_001364297.2, NM_001364298.2, NM_002310.6); c.659T>C (NM_002310.5); short protein forms I220T.
Identifiers: ClinVar variation 2150966 (VCV002150966.3), dbSNP rs757731669, ClinGen allele CA3243143.